The following is an entry in ClinVar:

ClinVar aggregate classification (germline): Uncertain significance (1 of 4 stars; one submission).

gnomAD v4.1: 82 of 1,613,942 alleles (0.0051%); highest among the groups gnomAD compares: Non-Finnish European, 0.0066%; no homozygotes.

Submission:

Women's Health and Genetics/Laboratory Corporation of America, LabCorp
Classification: Uncertain significance. Last evaluated: 2025-04-22. Review status: criteria provided, single submitter. Criteria: LabCorp Variant Classification Summary - May 2015. Collection method: clinical testing. Allele origin: germline.
Comment: Variant summary: ATAD3A c.1446G>T (p.Glu482Asp) results in a conservative amino acid change in the encoded protein sequence. Three of five in-silico tools predict a damaging effect of the variant on protein function. The variant allele was found at a frequency of 5.1e-05 in 1606948 control chromosomes in the gnomAD database (v4.1 dataset). The occurrence in several carriers suggests that this variant is likely not associated with a high penetrance, severe, early onset disease phenotype in heterozygous state. However, this frequency is not higher than the maximum estimated for a pathogenic variant in ATAD3A causing Harel-Yoon Syndrome Recessive, allowing no conclusion about variant significance. To our knowledge, no occurrence of c.1446G>T in individuals affected with Harel-Yoon Syndrome Recessive and no experimental evidence demonstrating its impact on protein function have been reported. No submitters have cited clinical-significance assessments for this variant to ClinVar. Based on the evidence outlined above, the variant was classified as uncertain significance.

NM_001170535.3(ATAD3A):c.1446G>T (p.Glu482Asp)

Gene: ATAD3A (ATPase family AAA domain containing 3A; plus strand). Cytogenetic location: 1p36.33.
Variant type: single nucleotide variant.
Coding change: c.1446G>T on transcript NM_001170535.3 (MANE Select); coding-DNA position 1446, G replaced by T.
Protein change: p.Glu482Asp; replaces glutamic acid 482 with aspartic acid.
Molecular consequence: missense variant.
Genome position (GRCh38, 1-based): chr1:1,527,803, G>T. VCF-style: chr1-1527803-G-T. GRCh37 (hg19) VCF-style: chr1-1463183-G-T.
Other names: c.1209G>T, p.Glu403Asp (NM_001170536.3); c.1590G>T, p.Glu530Asp (NM_018188.5); short protein forms E403D, E482D, E530D.
Identifiers: ClinVar variation 3896687 (VCV003896687.2).